The following is an entry in ClinVar:

NM_000095.3(COMP):c.1247C>T (p.Pro416Leu)

Gene: COMP (cartilage oligomeric matrix protein; minus strand). Cytogenetic location: 19p13.11.
Variant type: single nucleotide variant.
Coding change: c.1247C>T on transcript NM_000095.3 (MANE Select); coding-DNA position 1247, C replaced by T.
Protein change: p.Pro416Leu; replaces proline 416 with leucine.
Molecular consequence: missense variant.
Genome position (GRCh38, 1-based): chr19:18,786,539, G>A on the plus strand (C>T on the coding strand, the complement: COMP is on the minus strand). VCF-style: chr19-18786539-G-A. GRCh37 (hg19) VCF-style: chr19-18897349-G-A.
Other names: short protein forms P416L.
Identifiers: ClinVar variation 439550 (VCV000439550.15), dbSNP rs764546396, ClinGen allele CA9316493.

ClinVar aggregate classification (germline): Uncertain significance. Review status: criteria provided, multiple submitters, no conflicts (2 of 4 stars). 2 submissions from 2 submitters: Uncertain significance (2). Last evaluated 2024-07-05.

Allele frequency attached by ClinVar (database versions not stated): TOPMed 0.00002; gnomAD 0.00005.

Submissions (2):

Labcorp Genetics (formerly Invitae), Labcorp
Classification: Uncertain significance. Last evaluated: 2024-07-05. Review status: criteria provided, single submitter. Criteria: Invitae Variant Classification Sherloc (09022015). Collection method: clinical testing. Allele origin: germline.
Comment: This sequence change replaces proline, which is neutral and non-polar, with leucine, which is neutral and non-polar, at codon 416 of the COMP protein (p.Pro416Leu). This variant is present in population databases (rs764546396, gnomAD 0.03%), and has an allele count higher than expected for a pathogenic variant. This variant has not been reported in the literature in individuals affected with COMP-related conditions. ClinVar contains an entry for this variant (Variation ID: 439550). Advanced modeling of protein sequence and biophysical properties (such as structural, functional, and spatial information, amino acid conservation, physicochemical variation, residue mobility, and thermodynamic stability) has been performed at Invitae for this missense variant, however the output from this modeling did not meet the statistical confidence thresholds required to predict the impact of this variant on COMP protein function. In summary, the available evidence is currently insufficient to determine the role of this variant in disease. Therefore, it has been classified as a Variant of Uncertain Significance.

ARUP Laboratories, Molecular Genetics and Genomics, ARUP Laboratories
Classification: Uncertain significance. Last evaluated: 2017-05-01. Review status: criteria provided, single submitter. Criteria: ARUP Molecular Germline Variant Investigation Process. Collection method: clinical testing. Allele origin: germline.
Comment: The p.Pro416Leu variant has not been reported in the medical literature or gene specific variation databases including ClinVar. It is listed in the Genome Aggregation Database (gnomAD) with overall allele frequency of 0.0065 percent (identified on 18 out of 277,190 chromosomes). The proline at position 416 is moderately conserved (considering 10 species) (Alamut v.2.9.0) and computational analyses of the effects of the p.Pro416Leu variant on protein structure and function indicate a neutral effect (SIFT: damaging, MutationTaster: disease causing, PolyPhen-2: possibly damaging). Altogether, there is not enough evidence to classify the p.Pro416Leu variant with certainty.